The following is an entry in ClinVar:

ClinVar aggregate classification (germline): Uncertain significance (1 of 4 stars; one submission).

Allele frequency attached by ClinVar (database versions not stated): TOPMed below 0.00001; ExAC 0.00001; gnomAD 0.00001.
gnomAD v4.1: 6 of 1,613,862 alleles (0.00037%); highest among the groups gnomAD compares: Non-Finnish European, 0.00051%; no homozygotes.

Submission:

Labcorp Genetics (formerly Invitae), Labcorp
Classification: Uncertain significance. Last evaluated: 2025-12-24. Review status: criteria provided, single submitter. Criteria: Invitae Variant Classification Sherloc (09022015). Collection method: clinical testing. Allele origin: germline.
Comment: This sequence change replaces histidine, which is basic and polar, with leucine, which is neutral and non-polar, at codon 607 of the ADGRE2 protein (p.His607Leu). This variant is present in population databases (rs780336044, gnomAD 0.0009%). This variant has not been reported in the literature in individuals affected with ADGRE2-related conditions. ClinVar contains an entry for this variant (Variation ID: 2986690). An algorithm developed to predict the effect of missense changes on protein structure and function (PolyPhen-2) suggests that this variant is likely to be disruptive. In summary, the available evidence is currently insufficient to determine the role of this variant in disease. Therefore, it has been classified as a Variant of Uncertain Significance.

NM_013447.4(ADGRE2):c.1820A>T (p.His607Leu)

Gene: ADGRE2 (adhesion G protein-coupled receptor E2; minus strand). Cytogenetic location: 19p13.12.
Variant type: single nucleotide variant.
Coding change: c.1820A>T on transcript NM_013447.4 (MANE Select); coding-DNA position 1820, A replaced by T.
Protein change: p.His607Leu; replaces histidine 607 with leucine.
Molecular consequence: missense variant.
Genome position (GRCh38, 1-based): chr19:14,751,640, T>A on the plus strand (A>T on the coding strand, the complement: ADGRE2 is on the minus strand). VCF-style: chr19-14751640-T-A. GRCh37 (hg19) VCF-style: chr19-14862452-T-A.
Other names: c.1646A>T, p.His549Leu (NM_001271052.1); c.1673A>T, p.His558Leu (NM_152916.2); c.1541A>T, p.His514Leu (NM_152917.2); short protein forms H549L, H607L, H514L, H558L.
Identifiers: ClinVar variation 2986690 (VCV002986690.3), dbSNP rs780336044, ClinGen allele CA9257572.